The following is an entry in ClinVar:

NM_001042492.3(NF1):c.5752A>G (p.Asn1918Asp)

Gene: NF1 (neurofibromin 1; plus strand). Cytogenetic location: 17q11.2.
Variant type: single nucleotide variant.
Coding change: c.5752A>G on transcript NM_001042492.3 (MANE Select); coding-DNA position 5752, A replaced by G.
Protein change: p.Asn1918Asp; replaces asparagine 1918 with aspartic acid.
Molecular consequence: missense variant.
Genome position (GRCh38, 1-based): chr17:31,330,438, A>G. VCF-style: chr17-31330438-A-G. GRCh37 (hg19) VCF-style: chr17-29657456-A-G.
Other names: c.5689A>G, p.Asn1897Asp (NM_000267.4); short protein forms N1918D, N1897D.
Identifiers: ClinVar variation 1749057 (VCV001749057.2), dbSNP rs750915711, ClinGen allele CA8487220.

ClinVar aggregate classification (germline): Uncertain significance (1 of 4 stars; one submission).

Conditions:
Cardiovascular phenotype. Identifiers: MedGen CN230736.
Hereditary cancer-predisposing syndrome. Also called: Hereditary Cancer Syndrome; Hereditary neoplastic syndrome; Neoplastic Syndromes, Hereditary; Tumor predisposition. Identifiers: Orphanet 140162, MedGen C0027672, MeSH D009386, MONDO:0015356.

Allele frequency attached by ClinVar (database versions not stated): gnomAD exomes below 0.00001; ExAC 0.00001.
gnomAD v4.1: 1 of 1,614,018 alleles (0.000062%); highest among the groups gnomAD compares: East Asian, 0.0022%; no homozygotes.

Submission:

Ambry Genetics
Classification: Uncertain significance for Cardiovascular phenotype; Hereditary cancer-predisposing syndrome. Last evaluated: 2020-06-30. Review status: criteria provided, single submitter. Criteria: Ambry Variant Classification Scheme 2023. Collection method: clinical testing. Allele origin: germline.
Comment: The p.N1897D variant (also known as c.5689A>G), located in coding exon 38 of the NF1 gene, results from an A to G substitution at nucleotide position 5689. The asparagine at codon 1897 is replaced by aspartic acid, an amino acid with highly similar properties. This amino acid position is highly conserved in available vertebrate species. In addition, the in silico prediction for this alteration is inconclusive. Since supporting evidence is limited at this time, the clinical significance of this alteration remains unclear.